The following is an entry in ClinVar:

NM_000257.4(MYH7):c.2200C>G (p.Gln734Glu)

Gene: MYH7 (myosin heavy chain 7; minus strand). Cytogenetic location: 14q11.2.
Variant type: single nucleotide variant.
Coding change: c.2200C>G on transcript NM_000257.4 (MANE Select); coding-DNA position 2200, C replaced by G.
Protein change: p.Gln734Glu; replaces glutamine 734 with glutamic acid.
Molecular consequence: missense variant.
Genome position (GRCh38, 1-based): chr14:23,425,781, G>C on the plus strand (C>G on the coding strand, the complement: MYH7 is on the minus strand). VCF-style: chr14-23425781-G-C. GRCh37 (hg19) VCF-style: chr14-23894990-G-C.
Other names: short protein forms Q734E.
Identifiers: ClinVar variation 650131 (VCV000650131.9), dbSNP rs1173617248, ClinGen allele CA389048925.
Genomic context (GRCh38, chr14:23,425,781, plus strand): 5'-TGTGATCAATGTCCAGGGAGCTGAGCAGCTTCTCTGCCCCCTTCCTGCTATCAATGAACT[G>C]TCCCTCAGGGATGGCCGCTGGGTTCAGGATGCGATACCTGAGGAGGGAAGTGTCCAGAGT-3'
Protein context (NP_000248.2, residues 724-744): ILNPAAIPEG[Gln734Glu]FIDSRKGAEK

ClinVar aggregate classification (germline): Likely pathogenic. Review status: criteria provided, multiple submitters, no conflicts (2 of 4 stars). 2 submissions from 2 submitters: Likely pathogenic (2). Last evaluated 2025-10-02.

Conditions:
Hypertrophic cardiomyopathy 1 (CMH1). Also called: MYH7-Related Familial Hypertrophic Cardiomyopathy; Familial hypertrophic cardiomyopathy 1. Identifiers: MedGen C3495498, MONDO:0008647, OMIM 192600.
Hypertrophic cardiomyopathy. Also called: HYPERTROPHIC MYOCARDIOPATHY. Identifiers: Orphanet 217569, MedGen C0007194, MeSH D002312, MONDO:0005045, HP:0001639.

Allele frequency attached by ClinVar (database versions not stated): gnomAD exomes below 0.00001.
gnomAD v4.1: 1 of 1,613,988 alleles (0.000062%); highest among the groups gnomAD compares: South Asian, 0.0011%; no homozygotes.

Submissions (2):

3billion
Classification: Likely pathogenic for Hypertrophic cardiomyopathy 1. Last evaluated: 2025-10-02. Review status: criteria provided, single submitter. Criteria: ACMG Guidelines, 2015. Collection method: clinical testing. Allele origin: germline. Affected: yes.
Comment: The variant is observed at an extremely low frequency in the gnomAD v4.1.0 dataset (total allele frequency: <0.001%). Predicted Consequence/Location: The variant is located in a mutational hot spot and/or well-established functional domain in which established pathogenic variants have been reported (PMID: 29300372). In silico tool predictions suggest damaging effect of the variant on gene or gene product [REVEL: 0.75 (>=0.6, sensitivity 0.68 and specificity 0.92); 3Cnet: 0.93 (> 0.75, sensitivity 0.96 and precision 0.92)]. The same nucleotide change resulting in the same amino acid change has been previously reported to be associated with MYH7-related disorder (ClinVar ID: VCV000650131 /PMID: 12951062).Different missense changes at the same codon (p.Gln734Leu, p.Gln734Pro) have been reported as pathogenic/likely pathogenic with strong evidence (ClinVar ID: VCV000217464, VCV002818683 /PMID: 15563892). Therefore, this variant is classified as Likely pathogenic according to the recommendation of ACMG/AMP guideline.

Labcorp Genetics (formerly Invitae), Labcorp
Classification: Likely pathogenic for Hypertrophic cardiomyopathy. Last evaluated: 2018-08-20. Review status: criteria provided, single submitter. Criteria: Invitae Variant Classification Sherloc (09022015). Collection method: clinical testing. Allele origin: germline.
Comment: This sequence change replaces glutamine with glutamic acid at codon 734 of the MYH7 protein (p.Gln734Glu). The glutamine residue is highly conserved and there is a small physicochemical difference between glutamine and glutamic acid. This variant is not present in population databases (ExAC no frequency). This variant has been observed to be de novo in an individual affected with hypertrophic cardiomyopathy (PMID: 12951062). Algorithms developed to predict the effect of missense changes on protein structure and function (SIFT, PolyPhen-2, Align-GVGD) all suggest that this variant is likely to be disruptive, but these predictions have not been confirmed by published functional studies and their clinical significance is uncertain. This variant is found within a region of MYH7 between codons 181 and 937 that contains the majority of the myosin head domain. Missense variants in this region have been shown to be significantly overrepresented in individuals with hypertrophic cardiomyopathy (PMID: 27532257). In summary, the currently available evidence indicates that the variant is pathogenic, but additional data are needed to prove that conclusively. Therefore, this variant has been classified as Likely Pathogenic.

Literature cited by the submitters: PubMed 15563892 (cited by 3billion); PubMed 12951062 (cited by 3billion and Labcorp Genetics (formerly Invitae), Labcorp); PubMed 27532257 (cited by Labcorp Genetics (formerly Invitae), Labcorp).